The following is an entry in ClinVar:

NM_000053.4(ATP7B):c.51+3G>T

Gene: ATP7B (ATPase copper transporting beta; minus strand). Cytogenetic location: 13q14.3.
Variant type: single nucleotide variant.
Coding change: c.51+3G>T on transcript NM_000053.4 (MANE Select); 3 bases into the intron after coding-DNA position 51, G replaced by T.
Molecular consequence: intron variant.
Genome position (GRCh38, 1-based): chr13:52,011,284, C>A on the plus strand (G>T on the coding strand, the complement: ATP7B is on the minus strand). VCF-style: chr13-52011284-C-A. GRCh37 (hg19) VCF-style: chr13-52585420-C-A.
Other names: c.51+3G>T (NM_001406541.1, NM_001406531.1, NM_001406527.1 and 30 more transcripts); c.-79+3G>T (NM_001406543.1, NM_001406539.1); c.-137+3G>T (NM_001406518.1).
Identifiers: ClinVar variation 4756551 (VCV004756551.1).

ClinVar aggregate classification (germline): Uncertain significance (1 of 4 stars; one submission).

Conditions:
Wilson disease (WND). Also called: Wilson's disease. Identifiers: Orphanet 905, MedGen C0019202, MONDO:0010200, OMIM 277900. Disease mechanism: loss of function.

Submission:

Color Diagnostics, LLC DBA Color Health
Classification: Uncertain significance for Wilson disease. Last evaluated: 2025-09-10. Review status: criteria provided, single submitter. Criteria: ACMG Guidelines, 2015. Collection method: clinical testing. Allele origin: germline.
Comment: This variant causes a G to T nucleotide substitution at the +3 position of intron 1 of the ATP7B gene. To our knowledge, RNA studies have not been reported for this variant. This variant has not been reported in individuals affected with ATP7B-related disorders in the literature. This variant has not been identified in the general population by the Genome Aggregation Database (gnomAD). A different variant affecting the same splice donor site, c.51+4A>T, is known to be disease-causing (ClinVar Variation ID: 312401). The available evidence is insufficient to determine the role of this variant in disease conclusively. Therefore, this variant is classified as a Variant of Uncertain Significance.